The following is an entry in ClinVar:

NM_007086.4(WDHD1):c.2405G>A (p.Arg802His)

Gene: WDHD1 (WD repeat and HMG-box DNA binding protein 1; minus strand). Cytogenetic location: 14q22.2.
Variant type: single nucleotide variant.
Coding change: c.2405G>A on transcript NM_007086.4 (MANE Select); coding-DNA position 2405, G replaced by A.
Protein change: p.Arg802His; replaces arginine 802 with histidine.
Molecular consequence: missense variant.
Genome position (GRCh38, 1-based): chr14:54,963,078, C>T on the plus strand (G>A on the coding strand, the complement: WDHD1 is on the minus strand). VCF-style: chr14-54963078-C-T. GRCh37 (hg19) VCF-style: chr14-55429796-C-T.
Other names: c.2036G>A, p.Arg679His (NM_001008396.3); short protein forms R679H, R802H.
Identifiers: ClinVar variation 3189812 (VCV003189812.2), dbSNP rs139751226, ClinGen allele CA7194022.

ClinVar aggregate classification (germline): Uncertain significance (1 of 4 stars; one submission).

Allele frequency attached by ClinVar (database versions not stated): gnomAD 0.00001; ESP Exome Variant Server 0.00008; ExAC 0.00002.
gnomAD v4.1: 84 of 1,605,662 alleles (0.0052%); highest among the groups gnomAD compares: Non-Finnish European, 0.0064%; no homozygotes.

Submission:

Ambry Genetics
Classification: Uncertain significance. Last evaluated: 2026-07-19. Review status: criteria provided, single submitter. Criteria: Ambry Variant Classification Scheme 2023. Collection method: clinical testing. Allele origin: germline.
Comment: The c.2405G>A (p.R802H) alteration is located in exon 19 (coding exon 18) of the WDHD1 gene. This alteration results from a G to A substitution at nucleotide position 2405, causing the arginine (R) at amino acid position 802 to be replaced by a histidine (H). Based on data from gnomAD, the A allele has an overall frequency of 0.002% (4/251214) total alleles studied. The highest observed frequency was 0.006% (1/16250) of African alleles. Based on insufficient or conflicting evidence, the clinical significance of this alteration remains unclear.